The following is an entry in ClinVar:

ClinVar aggregate classification (germline): Pathogenic (1 of 4 stars; one submission).

Submission:

CeGaT Center for Human Genetics Tuebingen
Classification: Pathogenic. Last evaluated: 2025-07-01. Review status: criteria provided, single submitter. Criteria: CeGaT Center For Human Genetics Tuebingen Variant Classification Criteria Version 2. Collection method: clinical testing. Allele origin: germline. Affected: yes. Observed: 1 variant allele.
Comment: CLTC: PVS1, PM2

NM_004859.4(CLTC):c.1469_1470del (p.Gln490fs)

Gene: CLTC (clathrin heavy chain; plus strand). Cytogenetic location: 17q23.1.
Variant type: Deletion.
Coding change: c.1469_1470del on transcript NM_004859.4 (MANE Select); coding-DNA positions 1469 to 1470, 2 bases deleted (AG; older notation c.1469_1470delAG).
Protein change: p.Gln490fs; shifts the reading frame from glutamine 490.
Molecular consequence: frameshift variant.
Genome position (GRCh38, 1-based): chr17:59,663,942-59,663,943, AG deleted. VCF-style (leftmost placement, unchanged base first): chr17-59663941-CAG-C. GRCh37 (hg19) VCF-style: chr17-57741302-CAG-C.
Other names: c.1481_1482del, p.Gln494fs (NM_001288653.2); short protein forms Q490fs, Q494fs.
Identifiers: ClinVar variation 4085282 (VCV004085282.8).